The following is an entry in ClinVar:

ClinVar aggregate classification (germline): Likely pathogenic. Review status: criteria provided, multiple submitters, no conflicts (2 of 4 stars). 2 submissions from 2 submitters: Likely pathogenic (2). Last evaluated 2025-09-30.

Conditions:
Corticosterone methyl oxidase type II deficiency.
Aldosterone Synthase Deficiency. Also called: Corticosterone methyloxidase deficiency. Identifiers: MedGen C4289986.

Submissions (2):

Natera, Inc.
Classification: Likely pathogenic for Corticosterone methyl oxidase type II deficiency. Last evaluated: 2025-09-30. Review status: criteria provided, single submitter. Criteria: Natera Variant Classification Schema (03/2026). Collection method: clinical testing. Allele origin: germline.
Comment: The c.1201-2A>C variant in CYP11B2 is a canonical splice acceptor site variant predicted to affect pre-mRNA splicing, which may result in an abnormal transcript and altered protein product. This variant is expected to result in nonsense mediated decay, truncation, or a dysfunctional protein product. This variant is rare in the general population with a frequency below the threshold expected for the associated phenotype(s). Given the available evidence, this variant is classified as Likely Pathogenic.

Rady Children's Institute for Genomic Medicine, Rady Children's Hospital San Diego
Classification: Likely pathogenic for Aldosterone synthase deficiency. Last evaluated: 2024-05-06. Review status: criteria provided, single submitter. Criteria: ACMG Guidelines, 2015. Collection method: clinical testing. Allele origin: germline. Affected: yes.
Comment: This variant affects the canonical splice acceptor site of intron 8 and is therefore predicted to interfere with splicing and result in loss of normal protein function. Loss-of-function variation in CYP11B2 is an established mechanism of disease (PMID: 9360501). This variant has not been previously reported or functionally characterized in the literature to our knowledge. The c.1201-2A>C variant is absent from the gnomAD v4 population database and thus is presumed to be rare. Based on the available evidence, c.1201-2A>C is classified as Likely Pathogenic.

NM_000498.3(CYP11B2):c.1201-2A>C

Genes: CYP11B2 (cytochrome P450 family 11 subfamily B member 2; minus strand), LOC106799834 (CYP11B2 recombination region; plus strand). Cytogenetic location: 8q24.3.
Variant type: single nucleotide variant.
Coding change: c.1201-2A>C on transcript NM_000498.3 (MANE Select); the canonical splice acceptor site of the intron before coding-DNA position 1201, A replaced by C.
Molecular consequence: splice acceptor variant.
Genome position (GRCh38, 1-based): chr8:142,912,729, T>G on the plus strand (A>C on the coding strand, the complement: CYP11B2 is on the minus strand). VCF-style: chr8-142912729-T-G. GRCh37 (hg19) VCF-style: chr8-143994145-T-G.
Identifiers: ClinVar variation 3773825 (VCV003773825.2).
Genomic context (GRCh38, chr8:142,912,729, plus strand): 5'-GGCCTCGGGAACAAGGCGGCATTGCGACCCAGCGAGTAGAGGAAAACCTGTACCAATGTC[T>G]GCGGACGGTGCAGAGCAGGGATCAGGGAATGACTGGGGAGGGAGGTTCTCAGCTCGAGGG-3'